The following is an entry in ClinVar:

ClinVar aggregate classification (germline): Uncertain significance (3 of 4 stars; one submission).

Conditions:
Open-angle glaucoma. Identifiers: MedGen C0017612, MONDO:0005338, HP:0012108.

Allele frequency attached by ClinVar (database versions not stated): TOPMed below 0.00001; gnomAD exomes below 0.00001.
gnomAD v4.1: 3 of 1,614,180 alleles (0.00019%); highest among the groups gnomAD compares: Non-Finnish European, 0.00025%; no homozygotes.

Submission:

ClinGen Glaucoma Variant Curation Expert Panel
Classification: Uncertain significance for Open-angle glaucoma. Last evaluated: 2025-11-12. Review status: reviewed by expert panel. Criteria: ClinGen Glaucoma ACMG Specifications V2.0.0 Approved. Collection method: curation. Allele origin: germline. Inheritance: Autosomal dominant inheritance.
Comment: The c.11T>C variant in MYOC is a missense variant predicted to cause substitution of Phenylalanine by Serine at amino acid 4 (p.Phe4Ser). The highest minor allele frequency of this variant was in the European (non-Finnish) genetic ancestry group of gnomAD (v4.1.0) = 0.000002542 (3 alleles out of 1,180,040), which met the ≤ 0.0001 threshold set for PM2_Supporting in a genetic ancestry group of at least 10,000 alleles. The REVEL score = 0.068, which was within the 0.017-0.183 range for BP4_Moderate, suggesting that the variant does not impact MYOC function. There was no functional evidence predicting a damaging or benign impact of this variant on MYOC function. Only 1 segregation had been reported for primary open angle glaucoma (POAG) (Charlesworth, J. 2006 PhD Thesis), not meeting the ≥ 3 segregations required for PP1. 2 probands with POAG have been reported carrying this variant (PMID: 10196380), which met PS4_Supporting (≥ 2 probands). In summary, this variant met the criteria to receive a score of 0 and to be classified as a variant of uncertain significance (uncertain significance classification range -1 to 5, adapted from PMID: 32720330) for primary open angle glaucoma based on the ACMG/AMP criteria met, as specified by the ClinGen Glaucoma VCEP (v2.0.0, 5 Dec 2024): BP4_Moderate, PM2_Supporting, PS4_Supporting.

NM_000261.2(MYOC):c.11T>C (p.Phe4Ser)

Gene: MYOC (myocilin; minus strand). Cytogenetic location: 1q24.3.
Variant type: single nucleotide variant.
Coding change: c.11T>C on transcript NM_000261.2 (MANE Select); coding-DNA position 11, T replaced by C.
Protein change: p.Phe4Ser; replaces phenylalanine 4 with serine.
Molecular consequence: missense variant.
Genome position (GRCh38, 1-based): chr1:171,652,601, A>G on the plus strand (T>C on the coding strand, the complement: MYOC is on the minus strand). VCF-style: chr1-171652601-A-G. GRCh37 (hg19) VCF-style: chr1-171621741-A-G.
Other names: NM_000261.2:c.11T>C; short protein forms F4S.
Identifiers: ClinVar variation 1703220 (VCV001703220.2), dbSNP rs1653382909, ClinGen allele CA343720226.